The following is an entry in ClinVar:

ClinVar aggregate classification (germline): Likely pathogenic (1 of 4 stars; one submission).

Conditions:
Hereditary spastic paraplegia 15 (SPG15). Also called: SPASTIC PARAPLEGIA 15, AUTOSOMAL RECESSIVE; KJELLIN SYNDROME; SPASTIC PARAPLEGIA AND RETINAL DEGENERATION. Identifiers: Orphanet 100996, MedGen C1849128, MONDO:0010044, OMIM 270700.

Submission:

Myriad Genetics, Inc.
Classification: Likely pathogenic for Hereditary spastic paraplegia 15. Last evaluated: 2021-12-27. Review status: criteria provided, single submitter. Criteria: Myriad Women's Health Autosomal Recessive and X-Linked Classification Criteria (2021). Collection method: clinical testing. Allele origin: unknown.
Comment: NM_015346.3(ZFYVE26):c.5179A>T(K1727*) is expected to be pathogenic in the context of spastic paraplegia type 15. This variant is predicted to lead to an abnormal or absent protein product due to the creation of a premature termination codon in ZFYVE26, a gene where loss-of-function variants are known to be pathogenic. Please note: this variant was assessed in the context of healthy population screening.

NM_015346.4(ZFYVE26):c.5179A>T (p.Lys1727Ter)

Gene: ZFYVE26 (zinc finger FYVE-type containing 26; minus strand). Cytogenetic location: 14q24.1.
Variant type: single nucleotide variant.
Coding change: c.5179A>T on transcript NM_015346.4 (MANE Select); coding-DNA position 5179, A replaced by T.
Protein change: p.Lys1727Ter; replaces lysine 1727 with a stop codon.
Molecular consequence: nonsense.
Genome position (GRCh38, 1-based): chr14:67,775,902, T>A on the plus strand (A>T on the coding strand, the complement: ZFYVE26 is on the minus strand). VCF-style: chr14-67775902-T-A. GRCh37 (hg19) VCF-style: chr14-68242619-T-A.
Other names: short protein forms K1727*.
Identifiers: ClinVar variation 1726593 (VCV001726593.2), dbSNP rs2502782078, ClinGen allele CA390168141.
Genomic context (GRCh38, chr14:67,775,902, plus strand): 5'-TAGGATGCTAGCAGTTACCTGATCGTTTCTCCCTCTGAGGGTATGGAAAGTCCAGGGCTT[T>A]CTCTGCGTATCTGGAAAGCAGTGAGTCCACCTCGTCCATAGTGAAGCCAATCTCCTGTCC-3'